The following is an entry in ClinVar:

NM_015378.4(VPS13D):c.12107T>C (p.Val4036Ala)

Gene: VPS13D (vacuolar protein sorting 13 homolog D; plus strand). Cytogenetic location: 1p36.22.
Variant type: single nucleotide variant.
Coding change: c.12107T>C on transcript NM_015378.4 (MANE Select); coding-DNA position 12107, T replaced by C.
Protein change: p.Val4036Ala; replaces valine 4036 with alanine.
Molecular consequence: missense variant.
Genome position (GRCh38, 1-based): chr1:12,415,163, T>C. VCF-style: chr1-12415163-T-C. GRCh37 (hg19) VCF-style: chr1-12475216-T-C.
Other names: c.12032T>C, p.Val4011Ala (NM_018156.4); short protein forms V4011A, V4036A.
Identifiers: ClinVar variation 4740187 (VCV004740187.1).

ClinVar aggregate classification (germline): Uncertain significance (1 of 4 stars; one submission).

Submission:

Labcorp Genetics (formerly Invitae), Labcorp
Classification: Uncertain significance. Last evaluated: 2025-04-08. Review status: criteria provided, single submitter. Criteria: Invitae Variant Classification Sherloc (09022015). Collection method: clinical testing. Allele origin: germline.
Comment: This sequence change replaces valine, which is neutral and non-polar, with alanine, which is neutral and non-polar, at codon 4036 of the VPS13D protein (p.Val4036Ala). This variant is present in population databases (rs760996351, gnomAD 0.03%). This variant has not been reported in the literature in individuals affected with VPS13D-related conditions. Invitae Evidence Modeling of protein sequence and biophysical properties (such as structural, functional, and spatial information, amino acid conservation, physicochemical variation, residue mobility, and thermodynamic stability) has been performed for this missense variant. However, the output from this modeling did not meet the statistical confidence thresholds required to predict the impact of this variant on VPS13D protein function. In summary, the available evidence is currently insufficient to determine the role of this variant in disease. Therefore, it has been classified as a Variant of Uncertain Significance.